The following is an entry in ClinVar:

ClinVar aggregate classification (germline): Uncertain significance (1 of 4 stars; one submission).

Submission:

CeGaT Center for Human Genetics Tuebingen
Classification: Uncertain significance. Last evaluated: 2024-06-01. Review status: criteria provided, single submitter. Criteria: CeGaT Center For Human Genetics Tuebingen Variant Classification Criteria Version 2. Collection method: clinical testing. Allele origin: germline. Affected: yes. Observed: 1 variant allele.
Comment: CACNA1D: PM2, PS2:Moderate, PP3

NM_001128840.3(CACNA1D):c.602A>G (p.Asp201Gly)

Gene: CACNA1D (calcium voltage-gated channel subunit alpha1 D; plus strand). Cytogenetic location: 3p21.1.
Variant type: single nucleotide variant.
Coding change: c.602A>G on transcript NM_001128840.3 (MANE Select); coding-DNA position 602, A replaced by G.
Protein change: p.Asp201Gly; replaces aspartic acid 201 with glycine.
Molecular consequence: missense variant.
Genome position (GRCh38, 1-based): chr3:53,650,897, A>G. VCF-style: chr3-53650897-A-G. GRCh37 (hg19) VCF-style: chr3-53684924-A-G.
Other names: c.602A>G, p.Asp201Gly (NM_000720.4, NM_001128839.3); short protein forms D201G.
Identifiers: ClinVar variation 3251168 (VCV003251168.18), dbSNP rs2472854483.